The following is an entry in ClinVar:

NM_000069.3(CACNA1S):c.150G>C (p.Trp50Cys)

Gene: CACNA1S (calcium voltage-gated channel subunit alpha1 S; minus strand). Cytogenetic location: 1q32.1.
Variant type: single nucleotide variant.
Coding change: c.150G>C on transcript NM_000069.3 (MANE Select); coding-DNA position 150, G replaced by C.
Protein change: p.Trp50Cys; replaces tryptophan 50 with cysteine.
Molecular consequence: missense variant.
Genome position (GRCh38, 1-based): chr1:201,112,190, C>G on the plus strand (G>C on the coding strand, the complement: CACNA1S is on the minus strand). VCF-style: chr1-201112190-C-G. GRCh37 (hg19) VCF-style: chr1-201081318-C-G.
Other names: short protein forms W50C.
Identifiers: ClinVar variation 2931808 (VCV002931808.3), dbSNP rs1553254269, ClinGen allele CA344157522.

ClinVar aggregate classification (germline): Uncertain significance (1 of 4 stars; one submission).

Conditions:
Malignant hyperthermia, susceptibility to, 5 (MHS5). Also called: CACNA1S-Related Malignant Hyperthermia Susceptibility. Identifiers: Orphanet 423, MedGen C1866077, MONDO:0011163, OMIM 601887.
Hypokalemic periodic paralysis, type 1. Also called: Hypokalemic Periodic Paralysis Type 1 (AD); HypoPP. Identifiers: Orphanet 681, MedGen C3714580, MONDO:0042979, OMIM 170400.

Submission:

Labcorp Genetics (formerly Invitae), Labcorp
Classification: Uncertain significance for Hypokalemic periodic paralysis, type 1; Malignant hyperthermia, susceptibility to, 5. Last evaluated: 2023-05-19. Review status: criteria provided, single submitter. Criteria: Invitae Variant Classification Sherloc (09022015). Collection method: clinical testing. Allele origin: germline.
Comment: This sequence change replaces tryptophan, which is neutral and slightly polar, with cysteine, which is neutral and slightly polar, at codon 50 of the CACNA1S protein (p.Trp50Cys). This variant is not present in population databases (gnomAD no frequency). This variant has not been reported in the literature in individuals affected with CACNA1S-related conditions. An algorithm developed to predict the effect of missense changes on protein structure and function (PolyPhen-2) suggests that this variant is likely to be disruptive. Algorithms developed to predict the effect of sequence changes on RNA splicing suggest that this variant may create or strengthen a splice site. In summary, the available evidence is currently insufficient to determine the role of this variant in disease. Therefore, it has been classified as a Variant of Uncertain Significance.